The following is an entry in ClinVar:

NM_001130009.3(GEN1):c.1217G>A (p.Arg406Gln)

Gene: GEN1 (GEN1 structure-specific endonuclease; plus strand). Cytogenetic location: 2p24.2.
Variant type: single nucleotide variant.
Coding change: c.1217G>A on transcript NM_001130009.3 (MANE Select); coding-DNA position 1217, G replaced by A.
Protein change: p.Arg406Gln; replaces arginine 406 with glutamine.
Molecular consequence: missense variant.
Genome position (GRCh38, 1-based): chr2:17,778,016, G>A. VCF-style: chr2-17778016-G-A. GRCh37 (hg19) VCF-style: chr2-17959283-G-A.
Other names: c.1217G>A, p.Arg406Gln (NM_182625.5); c.1217G>A (NM_001130009.1); short protein forms R406Q.
Identifiers: ClinVar variation 1941797 (VCV001941797.6), dbSNP rs1183092755, ClinGen allele CA345921992.
Genomic context (GRCh38, chr2:17,778,016, plus strand): 5'-AAATATCTTATGCAATTAGACTTCATTAAATGAATTTGTTTTTCAGAATTGTTAAGACTC[G>A]AATCAGAAATGGAGTTCATTGTTTTGAAATAGAATGGGAAAAGCCTGGTATGTATTCACT-3'
Protein context (NP_001123481.3, residues 396-416): QLQPIRIVKT[Arg406Gln]IRNGVHCFEI

ClinVar aggregate classification (germline): Uncertain significance. Review status: criteria provided, multiple submitters, no conflicts (2 of 4 stars). 2 submissions from 2 submitters: Uncertain significance (2). Last evaluated 2024-11-25.

Allele frequency attached by ClinVar (database versions not stated): gnomAD exomes below 0.00001; gnomAD 0.00001.
gnomAD v4.1: 4 of 1,591,204 alleles (0.00025%); highest among the groups gnomAD compares: East Asian, 0.0045%; no homozygotes.

Submissions (2):

Ambry Genetics
Classification: Uncertain significance. Last evaluated: 2024-11-25. Review status: criteria provided, single submitter. Criteria: Ambry Variant Classification Scheme 2023. Collection method: clinical testing. Allele origin: germline.
Comment: The p.R406Q variant (also known as c.1217G>A), located in coding exon 11 of the GEN1 gene, results from a G to A substitution at nucleotide position 1217. The arginine at codon 406 is replaced by glutamine, an amino acid with highly similar properties. This amino acid position is conserved. In addition, the in silico prediction for this alteration is inconclusive. Based on the available evidence, the clinical significance of this variant remains unclear.

Labcorp Genetics (formerly Invitae), Labcorp
Classification: Uncertain significance. Last evaluated: 2023-02-23. Review status: criteria provided, single submitter. Criteria: Invitae Variant Classification Sherloc (09022015). Collection method: clinical testing. Allele origin: germline.
Comment: In summary, the available evidence is currently insufficient to determine the role of this variant in disease. Therefore, it has been classified as a Variant of Uncertain Significance. An algorithm developed to predict the effect of missense changes on protein structure and function (PolyPhen-2) suggests that this variant is likely to be disruptive. This variant has not been reported in the literature in individuals affected with GEN1-related conditions. This variant is present in population databases (no rsID available, gnomAD 0.01%). This sequence change replaces arginine, which is basic and polar, with glutamine, which is neutral and polar, at codon 406 of the GEN1 protein (p.Arg406Gln).